The following is an entry in ClinVar:

ClinVar aggregate classification (germline): Conflicting classifications of pathogenicity. Review status: criteria provided, conflicting classifications (1 of 4 stars). 2 submissions from 2 submitters: Pathogenic (1); Uncertain significance (1). Last evaluated 2026-08-12.

Conditions:
Cardiovascular phenotype. Identifiers: MedGen CN230736.
Walker-Warburg congenital muscular dystrophy. Also called: Muscular dystrophy-dystroglycanopathy, type A; Walker-Warburg syndrome. Identifiers: Orphanet 899, MedGen C0265221, MONDO:0000171.

Submissions (2):

Ambry Genetics
Classification: Uncertain significance for Cardiovascular phenotype. Last evaluated: 2026-08-12. Review status: criteria provided, single submitter. Criteria: Ambry Variant Classification Scheme 2023. Collection method: clinical testing. Allele origin: germline.
Comment: The p.T293A variant (also known as c.877A>G), located in coding exon 1 of the FKRP gene, results from an A to G substitution at nucleotide position 877. The threonine at codon 293 is replaced by alanine, an amino acid with similar properties. This variant has been identified in the homozygous state and/or in conjunction with other FKRP variant(s) in individual(s) with features consistent with FKRP-related dystroglycanopathies (Awano H et al. J Clin Neurosci, 2021 Oct;92:215-221). This amino acid position is not well conserved in available vertebrate species. In addition, the in silico prediction for this alteration is inconclusive. Based on the available evidence, the clinical significance of this variant remains unclear.

Labcorp Genetics (formerly Invitae), Labcorp
Classification: Pathogenic for Walker-Warburg congenital muscular dystrophy. Last evaluated: 2025-10-21. Review status: criteria provided, single submitter. Criteria: Invitae Variant Classification Sherloc (09022015). Collection method: clinical testing. Allele origin: germline.
Comment: This sequence change replaces threonine, which is neutral and polar, with alanine, which is neutral and non-polar, at codon 293 of the FKRP protein (p.Thr293Ala). This variant is not present in population databases (gnomAD no frequency). This missense change has been observed in individual(s) with limb-girdle muscular dystrophy (PMID: 34509255). ClinVar contains an entry for this variant (Variation ID: 1487439). Invitae Evidence Modeling of protein sequence and biophysical properties (such as structural, functional, and spatial information, amino acid conservation, physicochemical variation, residue mobility, and thermodynamic stability) indicates that this missense variant is expected to disrupt FKRP protein function with a positive predictive value of 95%. This variant disrupts the p.Thr293 amino acid residue in FKRP. Other variant(s) that disrupt this residue have been observed in individuals with FKRP-related conditions (PMID: 14647208, 34509255, 35741838), which suggests that this may be a clinically significant amino acid residue. For these reasons, this variant has been classified as Pathogenic.

Literature cited by the submitters: PubMed 34509255 (cited by Ambry Genetics and Labcorp Genetics (formerly Invitae), Labcorp); PubMed 14647208 (cited by Labcorp Genetics (formerly Invitae), Labcorp); PubMed 35741838 (cited by Labcorp Genetics (formerly Invitae), Labcorp).

NM_024301.5(FKRP):c.877A>G (p.Thr293Ala)

Gene: FKRP (fukutin related protein; plus strand). Cytogenetic location: 19q13.32.
Variant type: single nucleotide variant.
Coding change: c.877A>G on transcript NM_024301.5 (MANE Select); coding-DNA position 877, A replaced by G.
Protein change: p.Thr293Ala; replaces threonine 293 with alanine.
Molecular consequence: missense variant.
Genome position (GRCh38, 1-based): chr19:46,756,327, A>G. VCF-style: chr19-46756327-A-G. GRCh37 (hg19) VCF-style: chr19-47259584-A-G.
Other names: c.877A>G, p.Thr293Ala (NM_001039885.3); c.877A>G (NM_024301.4); short protein forms T293A.
Identifiers: ClinVar variation 1487439 (VCV001487439.9), dbSNP rs2122625896, ClinGen allele CA406496199.